The following is an entry in ClinVar:

ClinVar aggregate classification (germline): Likely pathogenic (1 of 4 stars; one submission).

Conditions:
Mucopolysaccharidosis, MPS-IV-A (MPS4A). Also called: Morquio syndrome A, mild; MORQUIO SYNDROME A; GALACTOSAMINE-6-SULFATASE DEFICIENCY; GALNS DEFICIENCY; MORQUIO A DISEASE; mucopolysaccharidosis type 4A. Identifiers: Orphanet 309297, Orphanet 582, MedGen C0086651, MONDO:0009659, OMIM 253000.

Submission:

Neuberg Centre For Genomic Medicine, NCGM
Classification: Likely pathogenic for Mucopolysaccharidosis, MPS-IV-A. Review status: criteria provided, single submitter. Criteria: ACMG Guidelines, 2015. Collection method: clinical testing. Allele origin: germline. Inheritance: Autosomal recessive inheritance. Affected: yes.
Comment: The frameshift c.1374dup(p.Ala459ArgfsTer44) variant in GALNS gene has not been reported previously as a pathogenic variant nor a benign variant, to our knowledge. The p.Ala459ArgfsTer44 variant is novel (not in any individuals) in both gnomAD Exomes and 1000 Genomes databases. This variant has not been reported to the ClinVar database. This variant causes a frameshift starting with codon Alanine 459, changes this amino acid to Arginine residue, and creates a premature Stop codon at position 44 of the new reading frame, denoted p.Ala459ArgfsTer44. This variant is predicted to cause loss of normal protein function through protein truncation. Loss of function variants have been previously reported to be disease causing. For these reasons, this variant has been classified as Likely Pathogenic.

NM_000512.5(GALNS):c.1374dup (p.Ala459fs)

Genes: GALNS (galactosamine (N-acetyl)-6-sulfatase; minus strand), LOC126862447 (CDK7 strongly-dependent group 2 enhancer GRCh37_chr16:88884193-88885392; plus strand). Cytogenetic location: 16q24.3.
Variant type: Duplication.
Coding change: c.1374dup on transcript NM_000512.5 (MANE Select); coding-DNA position 1374, one base duplicated (C; older notation c.1374dupC).
Protein change: p.Ala459fs; shifts the reading frame from alanine 459.
Molecular consequence: frameshift variant.
Genome position (GRCh38, 1-based): chr16:88,818,115, G duplicated on the plus strand (C on the coding strand, the reverse complement: GALNS is on the minus strand). VCF-style (leftmost placement, unchanged base first): chr16-88818114-C-CG. GRCh37 (hg19) VCF-style: chr16-88884522-C-CG.
Other names: c.819dup, p.Ala274fs (NM_001323543.2); c.1392dup, p.Ala465fs (NM_001323544.2); short protein forms A274fs, A459fs, A465fs.
Identifiers: ClinVar variation 2663939 (VCV002663939.1), dbSNP rs2508367866, ClinGen allele CA2695201143.